The following is an entry in ClinVar:

ClinVar aggregate classification (germline): Uncertain significance (1 of 4 stars; one submission).

Conditions:
Familial adenomatous polyposis 1 (FAP1). Also called: POLYPOSIS, ADENOMATOUS INTESTINAL; FAMILIAL ADENOMATOUS POLYPOSIS 1, ATTENUATED. Identifiers: MedGen C2713442, MONDO:0021056, OMIM 175100. Disease mechanism: loss of function.

Submission:

Labcorp Genetics (formerly Invitae), Labcorp
Classification: Uncertain significance for Familial adenomatous polyposis 1. Last evaluated: 2017-06-21. Review status: criteria provided, single submitter. Criteria: Invitae Variant Classification Sherloc (09022015). Collection method: clinical testing. Allele origin: germline.
Comment: Algorithms developed to predict the effect of missense changes on protein structure and function output the following: SIFT: "Tolerated"; PolyPhen-2: "Benign"; Align-GVGD: "Class C0". The threonine amino acid residue is found in multiple mammalian species, suggesting that this missense change does not adversely affect protein function. These predictions have not been confirmed by published functional studies and their clinical significance is uncertain. In summary, the available evidence is currently insufficient to determine the role of this variant in disease. Therefore, it has been classified as a Variant of Uncertain Significance. This variant has not been reported in the literature in individuals with APC-related disease. This variant is not present in population databases (ExAC no frequency). This sequence change replaces serine with threonine at codon 2685 of the APC protein (p.Ser2685Thr). The serine residue is moderately conserved and there is a small physicochemical difference between serine and threonine.

NM_000038.6(APC):c.8054G>C (p.Ser2685Thr)

Gene: APC (APC regulator of Wnt signaling pathway; plus strand). Cytogenetic location: 5q22.2.
Variant type: single nucleotide variant.
Coding change: c.8054G>C on transcript NM_000038.6 (MANE Select); coding-DNA position 8054, G replaced by C.
Protein change: p.Ser2685Thr; replaces serine 2685 with threonine.
Molecular consequence: missense variant.
Genome position (GRCh38, 1-based): chr5:112,843,648, G>C. VCF-style: chr5-112843648-G-C. GRCh37 (hg19) VCF-style: chr5-112179345-G-C.
Other names: c.8054G>C, p.Ser2685Thr (NM_001127510.3, NM_001354895.2); c.8000G>C, p.Ser2667Thr (NM_001127511.3); c.8108G>C, p.Ser2703Thr (NM_001354896.2); c.8084G>C, p.Ser2695Thr (NM_001354897.2); c.7979G>C, p.Ser2660Thr (NM_001354898.2); c.7970G>C, p.Ser2657Thr (NM_001354899.2); c.7931G>C, p.Ser2644Thr (NM_001354900.2); c.7877G>C, p.Ser2626Thr (NM_001354901.2); and 5 more; short protein forms S2667T, S2685T, S2594T, S2402T, S2644T, S2660T, S2703T, S2525T.
Identifiers: ClinVar variation 470125 (VCV000470125.10), dbSNP rs1554088868, ClinGen allele CA16038819.